The following is an entry in ClinVar:

ClinVar aggregate classification (germline): Benign. Review status: criteria provided, multiple submitters, no conflicts (2 of 4 stars). 8 submissions from 8 submitters: Benign (8). Last evaluated 2026-07-01.

Conditions:
Myopathy, proximal, and ophthalmoplegia (CMYO6). Also called: MYOPATHY WITH CONGENITAL JOINT CONTRACTURES, OPHTHALMOPLEGIA, AND RIMMED VACUOLES; INCLUSION BODY MYOPATHY 3, AUTOSOMAL DOMINANT; CONGENITAL MYOPATHY 6 WITH OPHTHALMOPLEGIA. Identifiers: Orphanet 363677, Orphanet 79091, MedGen C1854106, MONDO:0011577, OMIM 605637.

Allele frequency attached by ClinVar (database versions not stated): 1000 Genomes Project 30x 0.00250; 1000 Genomes Project 0.00260; TOPMed 0.00634; gnomAD 0.00719 and 0.00745; gnomAD exomes 0.00767 and 0.01045; ExAC 0.00820; ESP Exome Variant Server 0.00846.
gnomAD v4.1: 16,251 of 1,614,188 alleles (1%); highest among the groups gnomAD compares: Non-Finnish European, 1.2%; 113 homozygotes.

Submissions (8):

CeGaT Center for Human Genetics Tuebingen
Classification: Benign. Last evaluated: 2026-07-01. Review status: criteria provided, single submitter. Criteria: CeGaT Center For Human Genetics Tuebingen Variant Classification Criteria Version 2. Collection method: clinical testing. Allele origin: germline. Affected: yes. Observed: 11 variant alleles.
Comment: MYH2: BP4, BP7, BS1, BS2

Labcorp Genetics (formerly Invitae), Labcorp
Classification: Benign for Myopathy, proximal, and ophthalmoplegia. Last evaluated: 2026-02-02. Review status: criteria provided, single submitter. Criteria: Invitae Variant Classification Sherloc (09022015). Collection method: clinical testing. Allele origin: germline.

Mayo Clinic Laboratories, Mayo Clinic
Classification: Benign. Last evaluated: 2022-11-09. Review status: criteria provided, single submitter. Criteria: ACMG Guidelines, 2015. Collection method: clinical testing. Allele origin: germline. Observed: 7 variant alleles.

GeneDx
Classification: Benign. Last evaluated: 2018-08-24. Review status: criteria provided, single submitter. Criteria: GeneDx Variant Classification Process June 2021. Collection method: clinical testing. Allele origin: germline. Affected: yes.

Illumina Laboratory Services, Illumina
Classification: Benign for Myopathy, proximal, and ophthalmoplegia. Last evaluated: 2018-01-12. Review status: criteria provided, single submitter. Criteria: ICSL Variant Classification Criteria 13 December 2019. Collection method: clinical testing. Allele origin: germline.
Comment: This variant was observed in the ICSL laboratory as part of a predisposition screen in an ostensibly healthy population. It had not been previously curated by ICSL or reported in the Human Gene Mutation Database (HGMD: prior to June 1st, 2018), and was therefore a candidate for classification through an automated scoring system. Utilizing variant allele frequency, disease prevalence and penetrance estimates, and inheritance mode, an automated score was calculated to assess if this variant is too frequent to cause the disease. Based on the score and internal cut-off values, a variant classified as benign is not then subjected to further curation. The score for this variant resulted in a classification of benign for this disease.

Athena Diagnostics
Classification: Benign. Last evaluated: 2017-09-27. Review status: criteria provided, single submitter. Criteria: Athena Diagnostics Criteria. Collection method: clinical testing. Allele origin: germline.

Genetic Services Laboratory, University of Chicago
Classification: Benign. Last evaluated: 2017-09-25. Review status: criteria provided, single submitter. Criteria: ACMG Guidelines, 2015. Collection method: clinical testing. Allele origin: germline. Affected: no.

Breakthrough Genomics
Classification: Benign. Review status: criteria provided, single submitter. Criteria: ACMG Guidelines, 2015. Collection method: not provided. Allele origin: germline. Inheritance: Autosomal dominant inheritance. Affected: yes.

NM_017534.6(MYH2):c.183G>A (p.Thr61=)

Genes: MYH2 (myosin heavy chain 2; minus strand), MYHAS (myosin heavy chain gene cluster antisense RNA; plus strand). Cytogenetic location: 17p13.1.
Variant type: single nucleotide variant.
Coding change: c.183G>A on transcript NM_017534.6 (MANE Select); coding-DNA position 183, G replaced by A.
Protein change: p.Thr61=; no amino-acid change (threonine 61 retained).
Molecular consequence: synonymous variant.
Genome position (GRCh38, 1-based): chr17:10,547,738, C>T on the plus strand (G>A on the coding strand, the complement: MYH2 is on the minus strand). VCF-style: chr17-10547738-C-T. GRCh37 (hg19) VCF-style: chr17-10451055-C-T.
Other names: p.Thr61=; c.183G>A, p.Thr61= (NM_001100112.2).
Identifiers: ClinVar variation 465923 (VCV000465923.59), dbSNP rs142539913, ClinGen allele CA8391717.